The following is an entry in ClinVar:

NM_007194.4(CHEK2):c.908+5G>C

Gene: CHEK2 (checkpoint kinase 2; minus strand). Cytogenetic location: 22q12.1.
Variant type: single nucleotide variant.
Coding change: c.908+5G>C on transcript NM_007194.4 (MANE Select); 5 bases into the intron after coding-DNA position 908, G replaced by C.
Molecular consequence: intron variant.
Genome position (GRCh38, 1-based): chr22:28,703,500, C>G on the plus strand (G>C on the coding strand, the complement: CHEK2 is on the minus strand). VCF-style: chr22-28703500-C-G. GRCh37 (hg19) VCF-style: chr22-29099488-C-G.
Other names: c.245+5G>C (NM_001437942.1, NM_001257387.3); c.707+5G>C (NM_001349956.3); c.908+5G>C (NM_145862.3); c.1001+5G>C (NM_001438295.1, NM_001438293.1); c.1037+5G>C (NM_001438294.1, NM_001005735.3).
Identifiers: ClinVar variation 422814 (VCV000422814.9), dbSNP rs1064796016, ClinGen allele CA16621065.
Genomic context (GRCh38, chr22:28,703,500, plus strand): 5'-ATTCTTTGGTGGCTTTATAAAGCATTTGAATGGAAACAGAAATTTTTAAAAAGTTTACTA[C>G]TTACAATTCCAAAACAATATAATAATCTTCTGCATCAAAAAAGTTTTTAATCTTGATGAT-3'

ClinVar aggregate classification (germline): Conflicting classifications of pathogenicity. Review status: criteria provided, conflicting classifications (1 of 4 stars). 2 submissions from 2 submitters: Likely pathogenic (1); Uncertain significance (1). Last evaluated 2020-08-14.

Conditions:
Familial cancer of breast. Also called: Hereditary breast cancer; BREAST CANCER, FAMILIAL; hereditary breast carcinoma. Identifiers: Orphanet 227535, MedGen C0346153, MONDO:0016419, OMIM 114480. Disease mechanism: loss of function.

Submissions (2):

Labcorp Genetics (formerly Invitae), Labcorp
Classification: Uncertain significance for Familial cancer of breast. Last evaluated: 2020-08-14. Review status: criteria provided, single submitter. Criteria: Invitae Variant Classification Sherloc (09022015). Collection method: clinical testing. Allele origin: germline.
Comment: This sequence change falls in intron 8 of the CHEK2 gene. It does not directly change the encoded amino acid sequence of the CHEK2 protein, but it affects a nucleotide within the consensus splice site of the intron. This variant is not present in population databases (ExAC no frequency). This variant has not been reported in the literature in individuals with CHEK2-related conditions. ClinVar contains an entry for this variant (Variation ID: 422814). Nucleotide substitutions within the consensus splice site are a relatively common cause of aberrant splicing (PMID: 17576681, 9536098). Algorithms developed to predict the effect of sequence changes on RNA splicing suggest that this variant may disrupt the consensus splice site, but this prediction has not been confirmed by published transcriptional studies. In summary, the available evidence is currently insufficient to determine the role of this variant in disease. Therefore, it has been classified as a Variant of Uncertain Significance.

GeneDx
Classification: Likely pathogenic. Last evaluated: 2016-11-29. Review status: criteria provided, single submitter. Criteria: GeneDx Variant Classification (06012015). Collection method: clinical testing. Allele origin: germline. Affected: yes.
Comment: This variant is denoted CHEK2 c.908+5G>C or IVS8+5G>C and consists of a G>C nucleotide substitution at the +5 position of intron 8 of the CHEK2 gene. Multiple in silico models predict this variant to destroy the nearby natural splice donor site and to possibly cause abnormal gene splicing. However, in the absence of RNA or functional studies, the actual effect of this variant is unknown. This variant has not, to our knowledge, been published in the literature as pathogenic or benign. CHEK2 c.908+5G>C was not observed in approximately 6,500 individuals of European and African American ancestry in the NHLBI Exome Sequencing Project, suggesting it is not a common benign variant in these populations. The guanine (G) nucleotide that is altered is conserved across species. Based on the currently available information, we consider CHEK2 c.908+5G>C to be a likely pathogenic variant.

Literature cited by the submitters: PubMed 17576681 (cited by Labcorp Genetics (formerly Invitae), Labcorp); PubMed 9536098 (cited by Labcorp Genetics (formerly Invitae), Labcorp).